The following is an entry in ClinVar:

ClinVar aggregate classification (germline): Benign/Likely benign. Review status: criteria provided, multiple submitters, no conflicts (2 of 4 stars). 5 submissions from 5 submitters: Benign (4); Likely benign (1). Last evaluated 2026-02-04.

Submissions (5):

Labcorp Genetics (formerly Invitae), Labcorp
Classification: Benign. Last evaluated: 2026-02-04. Review status: criteria provided, single submitter. Criteria: Invitae Variant Classification Sherloc (09022015). Collection method: clinical testing. Allele origin: germline.

Blueprint Genetics
Classification: Likely benign. Last evaluated: 2024-11-27. Review status: criteria provided, single submitter. Criteria: ACMG Guidelines, 2015. Collection method: clinical testing. Allele origin: germline.

Mayo Clinic Laboratories, Mayo Clinic
Classification: Benign. Last evaluated: 2023-06-30. Review status: criteria provided, single submitter. Criteria: ACMG Guidelines, 2015. Collection method: clinical testing. Allele origin: germline. Observed: 5 variant alleles.
Comment: BA1, BS2

Athena Diagnostics
Classification: Benign. Last evaluated: 2019-03-21. Review status: criteria provided, single submitter. Criteria: Athena Diagnostics Criteria. Collection method: clinical testing. Allele origin: germline.

GeneDx
Classification: Benign. Last evaluated: 2018-06-12. Review status: criteria provided, single submitter. Criteria: GeneDx Variant Classification Process June 2021. Collection method: clinical testing. Allele origin: germline. Affected: yes.

NM_004447.6(EPS8):c.60-33TTA[12]

Gene: EPS8 (EGFR pathway substrate 8, signaling adaptor; minus strand). Cytogenetic location: 12p12.3.
Variant type: Microsatellite.
Coding change: c.60-33TTA[12] on transcript NM_004447.6 (MANE Select); 12 copies in a row of the 3-base unit TTA starting at c.60-33; the reference has ten copies in a row; two copies, 6 bases duplicated.
Molecular consequence: intron variant.
Genome position (GRCh38, 1-based): chr12:15,681,306-15,681,311, TAATAA duplicated on the plus strand (TTATTA on the coding strand, the reverse complement: EPS8 is on the minus strand); duplicating any 6 consecutive bases within chr12:15,681,306-15,681,337 gives the same sequence; the position shown is the placement nearest the transcript's 3' end. VCF-style (leftmost placement, unchanged base first): chr12-15681305-G-GTAATAA. GRCh37 (hg19) VCF-style: chr12-15834239-G-GTAATAA.
Other names: p.?; c.60-9_60-4dup (NM_004447.6).
Identifiers: ClinVar variation 517824 (VCV000517824.15), dbSNP rs201331879, ClinGen allele CA6468000.